The following is an entry in ClinVar:

ClinVar aggregate classification (germline): Uncertain significance (1 of 4 stars; one submission).

Submission:

GeneDx
Classification: Uncertain significance. Last evaluated: 2025-08-03. Review status: criteria provided, single submitter. Criteria: GeneDx Variant Classification Process June 2021. Collection method: clinical testing. Allele origin: germline. Affected: yes.
Comment: Not observed at significant frequency in large population cohorts (gnomAD); In silico analysis supports that this missense variant has a deleterious effect on protein structure/function; Has not been previously published as pathogenic or benign to our knowledge

NM_001846.4(COL4A2):c.5083G>A (p.Ala1695Thr)

Gene: COL4A2 (collagen type IV alpha 2 chain; plus strand). Cytogenetic location: 13q34.
Variant type: single nucleotide variant.
Coding change: c.5083G>A on transcript NM_001846.4 (MANE Select); coding-DNA position 5083, G replaced by A.
Protein change: p.Ala1695Thr; replaces alanine 1695 with threonine.
Molecular consequence: missense variant.
Genome position (GRCh38, 1-based): chr13:110,512,135, G>A. VCF-style: chr13-110512135-G-A. GRCh37 (hg19) VCF-style: chr13-111164482-G-A.
Other names: short protein forms A1695T.
Identifiers: ClinVar variation 4755982 (VCV004755982.1).